The following is an entry in ClinVar:

NM_020780.2(DISP3):c.888C>T (p.Val296=)

Gene: DISP3 (dispatched RND transporter family member 3; plus strand). Cytogenetic location: 1p36.22.
Variant type: single nucleotide variant.
Coding change: c.888C>T on transcript NM_020780.2 (MANE Select); coding-DNA position 888, C replaced by T.
Protein change: p.Val296=; no amino-acid change (valine 296 retained).
Molecular consequence: synonymous variant.
Genome position (GRCh38, 1-based): chr1:11,501,880, C>T. VCF-style: chr1-11501880-C-T. GRCh37 (hg19) VCF-style: chr1-11561937-C-T.
Identifiers: ClinVar variation 3058907 (VCV003058907.2), dbSNP rs12144924, ClinGen allele CA591526.

ClinVar aggregate classification (germline): Benign (0 of 4 stars; one submission).

Conditions:
DISP3-related disorder. Also called: DISP3-related condition.

Allele frequency attached by ClinVar (database versions not stated): gnomAD exomes 0.08321; ExAC 0.11355; ESP Exome Variant Server 0.15114; TOPMed 0.15175; gnomAD 0.15390; 1000 Genomes Project 30x 0.18161; 1000 Genomes Project 0.18231.
gnomAD v4.1: 145,793 of 1,612,950 alleles (9%); highest among the groups gnomAD compares: African/African-American, 35%; 10,381 homozygotes.

Submission:

PreventionGenetics, part of Exact Sciences
Classification: Benign for DISP3-related condition. Last evaluated: 2019-10-30. Review status: no assertion criteria provided. Collection method: clinical testing. Allele origin: germline.
Comment: This variant is classified as benign based on ACMG/AMP sequence variant interpretation guidelines (Richards et al. 2015 PMID: 25741868, with internal and published modifications).